The following is an entry in ClinVar:

ClinVar aggregate classification (germline): Conflicting classifications of pathogenicity. Review status: criteria provided, conflicting classifications (1 of 4 stars). 2 submissions from 2 submitters: Uncertain significance (1); Likely benign (1). Last evaluated 2025-10-21.

Conditions:
Inborn genetic diseases. Identifiers: MedGen C0950123, MeSH D030342.
Hereditary sensory and autonomic neuropathy type 7. Also called: Neuropathy, hereditary sensory and autonomic, type VII; HSAN VII. Identifiers: Orphanet 391397, MedGen C3809882, MONDO:0014244, OMIM 615548.
Familial episodic pain syndrome with predominantly lower limb involvement. Also called: Episodic pain syndrome, familial, 3. Identifiers: Orphanet 391384, Orphanet 391392, MedGen C3809899, MONDO:0014247, OMIM 615552.

Allele frequency attached by ClinVar (database versions not stated): ESP Exome Variant Server 0.00031.
gnomAD v4.1: 53 of 1,606,754 alleles (0.0033%); highest among the groups gnomAD compares: African/African-American, 0.036%; no homozygotes.

Submissions (2):

Labcorp Genetics (formerly Invitae), Labcorp
Classification: Uncertain significance for Familial episodic pain syndrome with predominantly lower limb involvement; Hereditary sensory and autonomic neuropathy type 7. Last evaluated: 2025-10-21. Review status: criteria provided, single submitter. Criteria: Invitae Variant Classification Sherloc (09022015). Collection method: clinical testing. Allele origin: germline.
Comment: This sequence change replaces aspartic acid, which is acidic and polar, with asparagine, which is neutral and polar, at codon 1361 of the SCN11A protein (p.Asp1361Asn). This variant is present in population databases (rs150340436, gnomAD 0.05%), and has an allele count higher than expected for a pathogenic variant. This variant has not been reported in the literature in individuals affected with SCN11A-related conditions. ClinVar contains an entry for this variant (Variation ID: 1476674). Invitae Evidence Modeling of protein sequence and biophysical properties (such as structural, functional, and spatial information, amino acid conservation, physicochemical variation, residue mobility, and thermodynamic stability) indicates that this missense variant is expected to disrupt SCN11A protein function with a positive predictive value of 80%. In summary, the available evidence is currently insufficient to determine the role of this variant in disease. Therefore, it has been classified as a Variant of Uncertain Significance.

Ambry Genetics
Classification: Likely benign for Inborn genetic diseases. Last evaluated: 2021-07-20. Review status: criteria provided, single submitter. Criteria: Ambry Variant Classification Scheme 2023. Collection method: clinical testing. Allele origin: germline.

NM_001349253.2(SCN11A):c.4081G>A (p.Asp1361Asn)

Gene: SCN11A (sodium voltage-gated channel alpha subunit 11; minus strand). Cytogenetic location: 3p22.2.
Variant type: single nucleotide variant.
Coding change: c.4081G>A on transcript NM_001349253.2 (MANE Select); coding-DNA position 4081, G replaced by A.
Protein change: p.Asp1361Asn; replaces aspartic acid 1361 with asparagine.
Molecular consequence: missense variant.
Genome position (GRCh38, 1-based): chr3:38,850,727, C>T on the plus strand (G>A on the coding strand, the complement: SCN11A is on the minus strand). VCF-style: chr3-38850727-C-T. GRCh37 (hg19) VCF-style: chr3-38892218-C-T.
Other names: c.4081G>A (NM_014139.2); c.4081G>A, p.Asp1361Asn (NM_014139.3); short protein forms D1361N.
Identifiers: ClinVar variation 1476674 (VCV001476674.7), dbSNP rs150340436, ClinGen allele CA2321600.